The following is an entry in ClinVar:

NM_000685.5(AGTR1):c.*40A>T

Gene: AGTR1 (angiotensin II receptor type 1; plus strand). Cytogenetic location: 3q24.
Variant type: single nucleotide variant.
Coding change: c.*40A>T on transcript NM_000685.5 (MANE Select); 40 bases downstream of the stop codon, A replaced by T.
Molecular consequence: 3 prime UTR variant.
Genome position (GRCh38, 1-based): chr3:148,742,155, A>T. VCF-style: chr3-148742155-A-T. GRCh37 (hg19) VCF-style: chr3-148459942-A-T.
Other names: c.*40A>T (NM_001382736.1, NM_001382737.1, NM_004835.5 and 3 more transcripts).
Identifiers: ClinVar variation 901431 (VCV000901431.4), dbSNP rs56343250, ClinGen allele CA2657451.

ClinVar aggregate classification (germline): Uncertain significance (1 of 4 stars; one submission).

Conditions:
Renal tubular dysgenesis. Also called: Renotubular dysgenesis. Identifiers: Orphanet 3033, MedGen C0266313, MONDO:0017609, HP:0008660.

Allele frequency attached by ClinVar (database versions not stated): 1000 Genomes Project 0.00040; 1000 Genomes Project 30x 0.00047; ESP Exome Variant Server 0.00080; TOPMed 0.00087; gnomAD exomes 0.00088 and 0.00101; ExAC 0.00096; gnomAD 0.00099 and 0.00110.

Submission:

Illumina Laboratory Services, Illumina
Classification: Uncertain significance for Renal tubular dysgenesis of genetic origin. Last evaluated: 2017-04-27. Review status: criteria provided, single submitter. Criteria: ICSL Variant Classification Criteria 13 December 2019. Collection method: clinical testing. Allele origin: germline.
Comment: This variant was observed as part of a predisposition screen in an ostensibly healthy population. A literature search was performed for the gene, cDNA change, and amino acid change (where applicable). Publications were found based on this search. However, the evidence from the literature, in combination with allele frequency data from public databases where available, was not sufficient to rule this variant in or out of causing disease. Therefore, this variant is classified as a variant of unknown significance.

Literature cited by the submitters: PubMed 20948563.